The following is an entry in ClinVar:

ClinVar aggregate classification (germline): Uncertain significance (1 of 4 stars; one submission).

gnomAD v4.1: 1 of 1,210,048 alleles (0.000083%); highest among the groups gnomAD compares: Non-Finnish European, 0.00011%; no homozygotes.

Submission:

Greenwood Genetic Center Diagnostic Laboratories, Greenwood Genetic Center
Classification: Uncertain significance. Last evaluated: 2022-03-17. Review status: criteria provided, single submitter. Criteria: ACMG Guidelines, 2015. Collection method: clinical testing. Allele origin: germline. Affected: yes.
Comment: PM2

NM_001289.6(CLIC2):c.574A>G (p.Ile192Val)

Gene: CLIC2 (chloride intracellular channel 2; minus strand). Cytogenetic location: Xq28.
Variant type: single nucleotide variant.
Coding change: c.574A>G on transcript NM_001289.6 (MANE Select); coding-DNA position 574, A replaced by G.
Protein change: p.Ile192Val; replaces isoleucine 192 with valine.
Molecular consequence: missense variant.
Genome position (GRCh38, 1-based): chrX:155,279,157, T>C on the plus strand (A>G on the coding strand, the complement: CLIC2 is on the minus strand). VCF-style: chrX-155279157-T-C. GRCh37 (hg19) VCF-style: chrX-154508446-T-C.
Other names: short protein forms I192V.
Identifiers: ClinVar variation 1676495 (VCV001676495.3), dbSNP rs2074909269, ClinGen allele CA414931157.
Genomic context (GRCh38, chrX:155,279,157, plus strand): 5'-TGGCAACTGGCAAACCCCTCCCACCCATTCAGCCTGCCTTATAAAGACTTACTTTAATAA[T>C]GTTCAGCTTGGGTAACAAGCTACAATCAGCCAGTGTTAGCTGGTCCCCATCCAAGAATAG-3'
Protein context (NP_001280.3, residues 182-202): ADCSLLPKLN[Ile192Val]IKVAAKKYRD